The following is an entry in ClinVar:

NM_001077365.2(POMT1):c.1149C>T (p.His383=)

Gene: POMT1 (protein O-mannosyltransferase 1; plus strand). Cytogenetic location: 9q34.13.
Variant type: single nucleotide variant.
Coding change: c.1149C>T on transcript NM_001077365.2 (MANE Select); coding-DNA position 1149, C replaced by T.
Protein change: p.His383=; no amino-acid change (histidine 383 retained).
Molecular consequence: synonymous variant. On other transcripts: non-coding transcript variant (10), intron variant (1).
Genome position (GRCh38, 1-based): chr9:131,513,305, C>T. VCF-style: chr9-131513305-C-T. GRCh37 (hg19) VCF-style: chr9-134388692-C-T.
Other names: c.987C>T, p.His329= (NM_001077366.2, NM_001353194.2); c.1149C>T, p.His383= (NM_001136113.2, NM_001374690.1); c.798C>T, p.His266= (NM_001136114.2, NM_001353195.2, NM_001374691.1 and 1 more transcripts); c.1215C>T, p.His405= (NM_001353193.2, NM_007171.4); c.1059C>T, p.His353= (NM_001353196.2); c.1053C>T, p.His351= (NM_001353197.2, NM_001353198.2); c.864C>T, p.His288= (NM_001353199.2); c.693C>T, p.His231= (NM_001353200.2); and 3 more.
Identifiers: ClinVar variation 281283 (VCV000281283.64), dbSNP rs202121299, ClinGen allele CA5293550.

ClinVar aggregate classification (germline): Conflicting classifications of pathogenicity. Review status: criteria provided, conflicting classifications (1 of 4 stars). 10 submissions from 10 submitters: Uncertain significance (1); Benign (2); Likely benign (4). 3 of the submissions do not count toward it. Last evaluated 2026-01-27.

Conditions:
POMT1-related disorder. Also called: POMT1-related condition; POMT1-related disorders.
Walker-Warburg congenital muscular dystrophy. Also called: Muscular dystrophy-dystroglycanopathy, type A; Walker-Warburg syndrome. Identifiers: Orphanet 899, MedGen C0265221, MONDO:0000171.
Muscular dystrophy-dystroglycanopathy (congenital with impaired intellectual development), type B, 1. Also called: Muscular dystrophy-dystroglycanopathy (congenital with intellectual disability), type B1; MUSCULAR DYSTROPHY, CONGENITAL, POMT1-RELATED. Identifiers: MedGen C5436962, MONDO:0013159, OMIM 613155.
Autosomal recessive limb-girdle muscular dystrophy type 2K. Also called: MUSCULAR DYSTROPHY-DYSTROGLYCANOPATHY (LIMB-GIRDLE), TYPE C, 1; MUSCULAR DYSTROPHY, LIMB-GIRDLE, TYPE 2K. Identifiers: Orphanet 86812, MedGen C1836373, MONDO:0012248, OMIM 609308.

Allele frequency attached by ClinVar (database versions not stated): TOPMed 0.00016; gnomAD 0.00021 and 0.00009; 1000 Genomes Project 30x 0.00109; gnomAD exomes 0.00040 and 0.00060; ExAC 0.00065; 1000 Genomes Project 0.00080.
gnomAD v4.1: 622 of 1,612,608 alleles (0.039%); highest among the groups gnomAD compares: South Asian, 0.36%; 5 homozygotes.

Submissions (10):

Labcorp Genetics (formerly Invitae), Labcorp
Classification: Benign for Muscular dystrophy-dystroglycanopathy (congenital with impaired intellectual development), type B, 1; Walker-Warburg congenital muscular dystrophy; Autosomal recessive limb-girdle muscular dystrophy type 2K. Last evaluated: 2026-01-27. Review status: criteria provided, single submitter. Criteria: Invitae Variant Classification Sherloc (09022015). Collection method: clinical testing. Allele origin: germline.

CeGaT Center for Human Genetics Tuebingen
Classification: Likely benign. Last evaluated: 2025-09-01. Review status: criteria provided, single submitter. Criteria: CeGaT Center For Human Genetics Tuebingen Variant Classification Criteria Version 2. Collection method: clinical testing. Allele origin: germline. Affected: yes. Observed: 3 variant alleles.
Comment: POMT1: BP4, BP7

Blueprint Genetics
Classification: Likely benign. Last evaluated: 2024-11-21. Review status: criteria provided, single submitter. Criteria: ACMG Guidelines, 2015. Collection method: clinical testing. Allele origin: germline.

GeneDx
Classification: Likely benign. Last evaluated: 2020-10-08. Review status: criteria provided, single submitter. Criteria: GeneDx Variant Classification Process June 2021. Collection method: clinical testing. Allele origin: germline. Affected: yes.

Athena Diagnostics
Classification: Benign. Last evaluated: 2019-06-06. Review status: criteria provided, single submitter. Criteria: Athena Diagnostics Criteria. Collection method: clinical testing. Allele origin: germline.

Genetic Services Laboratory, University of Chicago
Classification: Likely benign. Last evaluated: 2015-12-03. Review status: criteria provided, single submitter. Criteria: ACMG Guidelines, 2015. Collection method: clinical testing. Allele origin: germline. Affected: no.

Eurofins Ntd Llc (ga)
Classification: Uncertain significance. Last evaluated: 2015-06-29. Review status: criteria provided, single submitter. Criteria: EGL Classification Definitions 2015. Collection method: clinical testing. Allele origin: germline. Observed: 2 variant alleles, 2 heterozygotes.

PreventionGenetics, part of Exact Sciences
Classification: Likely benign for POMT1-related condition. Last evaluated: 2022-04-27. Review status: no assertion criteria provided. Collection method: clinical testing. Allele origin: germline. Not counted in ClinVar's aggregate classification.
Comment: This variant is classified as likely benign based on ACMG/AMP sequence variant interpretation guidelines (Richards et al. 2015 PMID: 25741868, with internal and published modifications).

Clinical Genetics DNA and cytogenetics Diagnostics Lab, Erasmus MC, Erasmus Medical Center
Classification: Likely benign. Review status: no assertion criteria provided. Collection method: clinical testing. Allele origin: germline. Affected: yes. Study: VKGL Data-share Consensus. Not counted in ClinVar's aggregate classification.

Laboratory of Diagnostic Genome Analysis, Leiden University Medical Center (LUMC)
Classification: Likely benign. Review status: no assertion criteria provided. Collection method: clinical testing. Allele origin: germline. Affected: yes. Study: VKGL Data-share Consensus. Not counted in ClinVar's aggregate classification.